The following is an entry in ClinVar:

NM_003672.4(CDC14A):c.934C>G (p.Arg312Gly)

Gene: CDC14A (cell division cycle 14A; plus strand). Cytogenetic location: 1p21.2.
Variant type: single nucleotide variant.
Coding change: c.934C>G on transcript NM_003672.4 (MANE Select); coding-DNA position 934, C replaced by G.
Protein change: p.Arg312Gly; replaces arginine 312 with glycine.
Molecular consequence: missense variant.
Genome position (GRCh38, 1-based): chr1:100,468,051, C>G. VCF-style: chr1-100468051-C-G. GRCh37 (hg19) VCF-style: chr1-100933607-C-G.
Other names: c.934C>G, p.Arg312Gly (NM_001319210.2, NM_033312.3, NM_033313.3); c.760C>G, p.Arg254Gly (NM_001319211.2); c.55C>G, p.Arg19Gly (NM_001319212.2); short protein forms R312G, R19G, R254G.
Identifiers: ClinVar variation 559436 (VCV000559436.9), dbSNP rs148737918, ClinGen allele CA341354216.

ClinVar aggregate classification (germline): Pathogenic/Likely pathogenic. Review status: criteria provided, multiple submitters, no conflicts (2 of 4 stars). 4 submissions from 4 submitters: Pathogenic (2); Likely pathogenic (1). 1 of the submissions does not count toward it. Last evaluated 2026-01-05.

Conditions:
Autosomal recessive nonsyndromic hearing loss 32. Also called: Deafness, autosomal recessive 32; Deafness, autosomal recessive 105; HEARING IMPAIRMENT INFERTILE MALE SYNDROME. Identifiers: Orphanet 90636, MedGen C1837608, MONDO:0012091, OMIM 608653.

gnomAD v4.1: 1 of 1,613,084 alleles (0.000062%); highest among the groups gnomAD compares: Non-Finnish European, 0.000085%; no homozygotes.

Submissions (4):

Labcorp Genetics (formerly Invitae), Labcorp
Classification: Pathogenic. Last evaluated: 2026-01-05. Review status: criteria provided, single submitter. Criteria: Invitae Variant Classification Sherloc (09022015). Collection method: clinical testing. Allele origin: germline.
Comment: This sequence change replaces arginine, which is basic and polar, with glycine, which is neutral and non-polar, at codon 312 of the CDC14A protein (p.Arg312Gly). This variant is not present in population databases (gnomAD no frequency). This missense change has been observed in individual(s) with deafness (PMID: 29293958). It has also been observed to segregate with disease in related individuals. ClinVar contains an entry for this variant (Variation ID: 559436). Invitae Evidence Modeling of protein sequence and biophysical properties (such as structural, functional, and spatial information, amino acid conservation, physicochemical variation, residue mobility, and thermodynamic stability) indicates that this missense variant is expected to disrupt CDC14A protein function with a positive predictive value of 80%. This variant disrupts the p.Arg312 amino acid residue in CDC14A. Other variant(s) that disrupt this residue have been determined to be pathogenic (PMID: 29293958). This suggests that this residue is clinically significant, and that variants that disrupt this residue are likely to be disease-causing. For these reasons, this variant has been classified as Pathogenic.

Genetics Research Center, University of Social Welfare and Rehabilitation Sciences
Classification: Pathogenic for Autosomal recessive nonsyndromic hearing loss 32. Last evaluated: 2025-12-09. Review status: criteria provided, single submitter. Criteria: ACMG Guidelines, 2015. Collection method: research. Allele origin: germline. Affected: yes.
Comment: The variant is not present in the gnomAD v2.1.1 dataset and has been previously reported in individual(s) affected with CDC14A-related hearing loss (PMID:36056583, 29293958). It has also been observed to segregate with disease in the family. Another missense variant in the same codon, p.Arg312Gln, has also been reported in patient(s) with recessive sensorineural hearing loss (PMID:29293958).

SIB Swiss Institute of Bioinformatics
Classification: Likely pathogenic for Autosomal recessive nonsyndromic hearing loss 32. Last evaluated: 2018-11-05. Review status: criteria provided, single submitter. Criteria: ACMG Guidelines, 2015. Collection method: curation. Allele origin: unknown.
Comment: This variant is interpreted as a Likely pathogenic for Deafness, autosomal recessive 32, with or without immotile sperm. The following ACMG Tag(s) were applied: PM2 : Absent from controls (or at extremely low frequency if recessive) in Exome Sequencing Project, 1000 Genomes Project, or Exome Aggregation Consortium. PP3 : Multiple lines of computational evidence support a deleterious effect on the gene or gene product. PP1-Strong : Segregation data PP1 upgraded to strong (PMID:29293958).

OMIM
Classification: Pathogenic for DEAFNESS, AUTOSOMAL RECESSIVE 32 WITH IMMOTILE SPERM. Last evaluated: 2018-08-03. Review status: no assertion criteria provided. Collection method: literature only. Allele origin: germline. Not counted in ClinVar's aggregate classification.

Literature cited by the submitters: PubMed 29293958 (cited by 4 submitters); PubMed 36056583 (cited by Genetics Research Center, University of Social Welfare and Rehabilitation Sciences).